The following is an entry in ClinVar:

ClinVar aggregate classification (germline): Likely benign (1 of 4 stars; one submission).

Submission:

CeGaT Center for Human Genetics Tuebingen
Classification: Likely benign. Last evaluated: 2024-02-01. Review status: criteria provided, single submitter. Criteria: CeGaT Center For Human Genetics Tuebingen Variant Classification Criteria Version 2. Collection method: clinical testing. Allele origin: germline. Affected: yes. Observed: 1 variant allele.
Comment: SETX: PM2:Supporting, BP4, BP7

NM_015046.7(SETX):c.1776T>C (p.Ile592=)

Gene: SETX (senataxin; minus strand). Cytogenetic location: 9q34.13.
Variant type: single nucleotide variant.
Coding change: c.1776T>C on transcript NM_015046.7 (MANE Select); coding-DNA position 1776, T replaced by C.
Protein change: p.Ile592=; no amino-acid change (isoleucine 592 retained).
Molecular consequence: synonymous variant.
Genome position (GRCh38, 1-based): chr9:132,329,822, A>G on the plus strand (T>C on the coding strand, the complement: SETX is on the minus strand). VCF-style: chr9-132329822-A-G. GRCh37 (hg19) VCF-style: chr9-135205209-A-G.
Other names: c.1776T>C, p.Ile592= (NM_001351527.2, NM_001351528.2).
Identifiers: ClinVar variation 3027342 (VCV003027342.22), dbSNP rs2539130593, ClinGen allele CA467809020.